The following is an entry in ClinVar:

ClinVar aggregate classification (germline): Uncertain significance (1 of 4 stars; one submission).

Allele frequency attached by ClinVar (database versions not stated): gnomAD exomes below 0.00001.
gnomAD v4.1: 2 of 1,469,696 alleles (0.00014%); highest among the groups gnomAD compares: Non-Finnish European, 0.00019%; no homozygotes.

Submission:

Greenwood Genetic Center Diagnostic Laboratories, Greenwood Genetic Center
Classification: Uncertain significance. Last evaluated: 2023-07-27. Review status: criteria provided, single submitter. Criteria: ACMG Guidelines, 2015. Collection method: clinical testing. Allele origin: germline. Affected: yes.
Comment: PM2, PP3

NM_182943.3(PLOD2):c.1670A>G (p.Asn557Ser)

Gene: PLOD2 (procollagen-lysine,2-oxoglutarate 5-dioxygenase 2; minus strand). Cytogenetic location: 3q24.
Variant type: single nucleotide variant.
Coding change: c.1670A>G on transcript NM_182943.3 (MANE Select); coding-DNA position 1670, A replaced by G.
Protein change: p.Asn557Ser; replaces asparagine 557 with serine.
Molecular consequence: missense variant.
Genome position (GRCh38, 1-based): chr3:146,076,789, T>C on the plus strand (A>G on the coding strand, the complement: PLOD2 is on the minus strand). VCF-style: chr3-146076789-T-C. GRCh37 (hg19) VCF-style: chr3-145794576-T-C.
Other names: c.1607A>G, p.Asn536Ser (NM_000935.3); short protein forms N536S, N557S.
Identifiers: ClinVar variation 2627005 (VCV002627005.1), dbSNP rs2473231287, ClinGen allele CA354886296.